The following is an entry in ClinVar:

ClinVar aggregate classification (germline): Uncertain significance (1 of 4 stars; one submission).

Submission:

Dasa
Classification: Uncertain significance. Last evaluated: 2025-10-09. Review status: criteria provided, single submitter. Criteria: DASA Assertion Criteria. Collection method: clinical testing. Allele origin: germline.
Comment: NM_001281463.1(SMC1A):c.43+7G>T is a splice-region variant. This variant is rare in population databases. The currently available literature and clinical evidence are not sufficient to establish a definitive association between this variant and the reported condition. Therefore, this variant is classified as a variant of uncertain significance.

NM_006306.4(SMC1A):c.109+604G>T

Gene: SMC1A (structural maintenance of chromosomes 1A; minus strand). Cytogenetic location: Xp11.22.
Variant type: single nucleotide variant.
Coding change: c.109+604G>T on transcript NM_006306.4 (MANE Select); 604 bases into the intron after coding-DNA position 109, G replaced by T.
Molecular consequence: intron variant.
Genome position (GRCh38, 1-based): chrX:53,421,888, C>A on the plus strand (G>T on the coding strand, the complement: SMC1A is on the minus strand). VCF-style: chrX-53421888-C-A. GRCh37 (hg19) VCF-style: chrX-53448838-C-A.
Other names: c.43+7G>T (NM_001281463.1).
Identifiers: ClinVar variation 4885514 (VCV004885514.2).